The following is an entry in ClinVar:

ClinVar aggregate classification (germline): Uncertain significance. Review status: criteria provided, multiple submitters, no conflicts (2 of 4 stars). 2 submissions from 2 submitters: Uncertain significance (2). Last evaluated 2022-06-15.

Conditions:
Congenital muscular dystrophy due to integrin alpha-7 deficiency. Also called: MYOPATHY, CONGENITAL, DUE TO INTEGRIN ALPHA-7 DEFICIENCY; Congenital muscular dystrophy with integrin alpha-7 deficiency; Muscular dystrophy, congenital, due to ITGA7 deficiency. Identifiers: Orphanet 34520, MedGen C2750786, MONDO:0013177, OMIM 613204.

Submissions (2):

Labcorp Genetics (formerly Invitae), Labcorp
Classification: Uncertain significance for Congenital muscular dystrophy due to integrin alpha-7 deficiency. Last evaluated: 2022-06-15. Review status: criteria provided, single submitter. Criteria: Invitae Variant Classification Sherloc (09022015). Collection method: clinical testing. Allele origin: germline.
Comment: This sequence change replaces alanine, which is neutral and non-polar, with serine, which is neutral and polar, at codon 530 of the ITGA7 protein (p.Ala530Ser). This variant is not present in population databases (gnomAD no frequency). This variant has not been reported in the literature in individuals affected with ITGA7-related conditions. ClinVar contains an entry for this variant (Variation ID: 1026312). Algorithms developed to predict the effect of missense changes on protein structure and function are either unavailable or do not agree on the potential impact of this missense change (SIFT: "Tolerated"; PolyPhen-2: "Possibly Damaging"; Align-GVGD: "Class C0"). In summary, the available evidence is currently insufficient to determine the role of this variant in disease. Therefore, it has been classified as a Variant of Uncertain Significance.

Revvity Omics, Revvity
Classification: Uncertain significance for Congenital muscular dystrophy due to integrin alpha-7 deficiency. Last evaluated: 2021-09-10. Review status: criteria provided, single submitter. Criteria: ACMG Guidelines, 2015. Collection method: clinical testing. Allele origin: germline.

NM_002206.3(ITGA7):c.1588G>T (p.Ala530Ser)

Gene: ITGA7 (integrin subunit alpha 7; minus strand). Cytogenetic location: 12q13.2.
Variant type: single nucleotide variant.
Coding change: c.1588G>T on transcript NM_002206.3 (MANE Select); coding-DNA position 1588, G replaced by T.
Protein change: p.Ala530Ser; replaces alanine 530 with serine.
Molecular consequence: missense variant.
Genome position (GRCh38, 1-based): chr12:55,697,048, C>A on the plus strand (G>T on the coding strand, the complement: ITGA7 is on the minus strand). VCF-style: chr12-55697048-C-A. GRCh37 (hg19) VCF-style: chr12-56090832-C-A.
Other names: c.1600G>T, p.Ala534Ser (NM_001144996.2); c.1309G>T, p.Ala437Ser (NM_001144997.2); c.1261G>T, p.Ala421Ser (NM_001367993.1); c.244G>T, p.Ala82Ser (NM_001367994.1); c.1570G>T, p.Ala524Ser (NM_001374465.1); c.1720G>T, p.Ala574Ser (NM_001410977.1); c.1582G>T, p.Ala528Ser (NM_001414029.1); c.1513G>T, p.Ala505Ser (NM_001414030.1); and 5 more; short protein forms A421S, A437S, A524S, A530S, A534S, A82S, A574S, A501S.
Identifiers: ClinVar variation 1026312 (VCV001026312.8), dbSNP rs1872768511, ClinGen allele CA385188545.